The following is an entry in ClinVar:

ClinVar aggregate classification (germline): Uncertain significance (1 of 4 stars; one submission).

gnomAD v4.1: 411 of 1,613,852 alleles (0.025%); highest among the groups gnomAD compares: Non-Finnish European, 0.033%; no homozygotes.

Submission:

Labcorp Genetics (formerly Invitae), Labcorp
Classification: Uncertain significance. Last evaluated: 2025-10-16. Review status: criteria provided, single submitter. Criteria: Invitae Variant Classification Sherloc (09022015). Collection method: clinical testing. Allele origin: germline.
Comment: This sequence change replaces histidine, which is basic and polar, with glutamine, which is neutral and polar, at codon 768 of the BNC2 protein (p.His768Gln). This variant is present in population databases (rs148819981, gnomAD 0.01%). This variant has not been reported in the literature in individuals affected with BNC2-related conditions. An algorithm developed to predict the effect of missense changes on protein structure and function (PolyPhen-2) suggests that this variant is likely to be tolerated. In summary, the available evidence is currently insufficient to determine the role of this variant in disease. Therefore, it has been classified as a Variant of Uncertain Significance.

NM_017637.6(BNC2):c.2304C>A (p.His768Gln)

Genes: BNC2 (basonuclin zinc finger protein 2; minus strand), LOC126860585 (MED14-independent group 3 enhancer GRCh37_chr9:16435259-16436458; plus strand). Cytogenetic location: 9p22.3.
Variant type: single nucleotide variant.
Coding change: c.2304C>A on transcript NM_017637.6 (MANE Select); coding-DNA position 2304, C replaced by A.
Protein change: p.His768Gln; replaces histidine 768 with glutamine.
Molecular consequence: missense variant.
Genome position (GRCh38, 1-based): chr9:16,435,890, G>T on the plus strand (C>A on the coding strand, the complement: BNC2 is on the minus strand). VCF-style: chr9-16435890-G-T. GRCh37 (hg19) VCF-style: chr9-16435888-G-T.
Other names: c.2178C>A, p.His726Gln (NM_001317939.2); c.2019C>A, p.His673Gln (NM_001317940.2); short protein forms H673Q, H768Q, H726Q.
Identifiers: ClinVar variation 4745749 (VCV004745749.1).